The following is an entry in ClinVar:

NM_001113491.2(SEPTIN9):c.76+12730G>T

Gene: SEPTIN9 (septin 9; plus strand). Cytogenetic location: 17q25.3.
Variant type: single nucleotide variant.
Coding change: c.76+12730G>T on transcript NM_001113491.2 (MANE Select); 12730 bases into the intron after coding-DNA position 76, G replaced by T.
Molecular consequence: intron variant. On other transcripts: 5 prime UTR variant (1).
Genome position (GRCh38, 1-based): chr17:77,319,927, G>T. VCF-style: chr17-77319927-G-T. GRCh37 (hg19) VCF-style: chr17-75316009-G-T.
Other names: c.-400G>T (NM_006640.5); c.19+38373G>T (NM_001293695.2); c.-417+12730G>T (NM_001113492.2).
Identifiers: ClinVar variation 325530 (VCV000325530.6), dbSNP rs138208028, ClinGen allele CA10651141.

ClinVar aggregate classification (germline): Benign. Review status: criteria provided, multiple submitters, no conflicts (2 of 4 stars). 2 submissions from 2 submitters: Benign (2). Last evaluated 2017-04-27.

Conditions:
Amyotrophic neuralgia (HNA). Also called: AMYOTROPHY, HEREDITARY NEURALGIC; Hereditary Brachial Plexus Neuropathy; Neuritis with Brachial Predilection; AMYOTROPHY, HEREDITARY NEURALGIC, WITH PREDILECTION FOR BRACHIAL PLEXUS. Identifiers: Orphanet 2901, MedGen C1834304, MONDO:0008076, OMIM 162100.

Allele frequency attached by ClinVar (database versions not stated): gnomAD exomes 0.00360; gnomAD 0.00526 and 0.00625; TOPMed 0.00838; 1000 Genomes Project 30x 0.01593; 1000 Genomes Project 0.01697.
gnomAD v4.1: 4,574 of 1,121,626 alleles (0.41%); highest among the groups gnomAD compares: East Asian, 5%; 55 homozygotes.

Submissions (2):

Illumina Laboratory Services, Illumina
Classification: Benign for Amyotrophy, hereditary neuralgic. Last evaluated: 2017-04-27. Review status: criteria provided, single submitter. Criteria: ICSL Variant Classification Criteria 13 December 2019. Collection method: clinical testing. Allele origin: germline.
Comment: This variant was observed as part of a predisposition screen in an ostensibly healthy population. A literature search was performed for the gene, cDNA change, and amino acid change (where applicable). No publications were found based on this search. Allele frequency data from public databases was too high to be consistent with this variant causing disease. Therefore, this variant is classified as benign.

Breakthrough Genomics
Classification: Benign. Review status: criteria provided, single submitter. Criteria: ACMG Guidelines, 2015. Collection method: not provided. Allele origin: germline. Inheritance: Autosomal dominant inheritance. Affected: yes.